The following is an entry in ClinVar:

NM_004933.3(CDH15):c.1376-17G>A

Gene: CDH15 (cadherin 15; plus strand). Cytogenetic location: 16q24.3.
Variant type: single nucleotide variant.
Coding change: c.1376-17G>A on transcript NM_004933.3 (MANE Select); 17 bases into the intron before coding-DNA position 1376, G replaced by A.
Molecular consequence: intron variant.
Genome position (GRCh38, 1-based): chr16:89,191,638, G>A. VCF-style: chr16-89191638-G-A. GRCh37 (hg19) VCF-style: chr16-89258046-G-A.
Identifiers: ClinVar variation 1034129 (VCV001034129.1), dbSNP rs1330797153, ClinGen allele CA624452052.

ClinVar aggregate classification (germline): Uncertain significance (1 of 4 stars; one submission).

Conditions:
Intellectual developmental disorder, autosomal dominant 3. Also called: Intellectual disability, autosomal dominant 3. Identifiers: MedGen C2675488, MONDO:0012946, OMIM 612580.

Allele frequency attached by ClinVar (database versions not stated): gnomAD 0.00005; TOPMed 0.00005; gnomAD exomes 0.00001 and 0.00002.
gnomAD v4.1: 26 of 1,574,390 alleles (0.0017%); highest among the groups gnomAD compares: African/African-American, 0.022%; no homozygotes.

Submission:

Baylor Genetics
Classification: Uncertain significance for Intellectual developmental disorder, autosomal dominant 3. Last evaluated: 2018-07-13. Review status: criteria provided, single submitter. Criteria: ACMG Guidelines, 2015. Collection method: clinical testing. Allele origin: maternal. Affected: yes.
Comment: This variant was determined to be of uncertain significance according to ACMG Guidelines, 2015 [PMID:25741868].